The following is an entry in ClinVar:

ClinVar aggregate classification (germline): Uncertain significance. Review status: criteria provided, multiple submitters, no conflicts (2 of 4 stars). 2 submissions from 2 submitters: Uncertain significance (2). Last evaluated 2022-06-27.

Conditions:
Achondrogenesis, type IB (ACG1B). Also called: Achondrogenesis Type 1B. Identifiers: Orphanet 932, Orphanet 93298, MedGen C0265274, MONDO:0010966, OMIM 600972.
Atelosteogenesis type II (AO2). Also called: NEONATAL OSSEOUS DYSPLASIA I; Neonatal osseous dysplasia 1; SLC26A2-Related Atelosteogenesis. Identifiers: Orphanet 56304, MedGen C1850554, MONDO:0009727, OMIM 256050.
Diastrophic dysplasia (DTD). Also called: Diastrophic dwarfism. Identifiers: Orphanet 628, MedGen C0220726, MONDO:0009107, OMIM 222600.
Multiple epiphyseal dysplasia type 4 (EDM4). Also called: SLC26A2-Related Multiple Epiphyseal Dysplasia; Multiple Epiphyseal Dysplasia, Recessive; MULTIPLE EPIPHYSEAL DYSPLASIA WITH BILAYERED PATELLAE; MULTIPLE EPIPHYSEAL DYSPLASIA WITH CLUBFOOT; MULTIPLE EPIPHYSEAL DYSPLASIA, AUTOSOMAL RECESSIVE. Identifiers: Orphanet 93307, MedGen C1847593, MONDO:0009189, OMIM 226900.
Inborn genetic diseases. Identifiers: MedGen C0950123, MeSH D030342.

Allele frequency attached by ClinVar (database versions not stated): gnomAD 0.00001; TOPMed 0.00001.
gnomAD v4.1: 39 of 1,613,964 alleles (0.0024%); highest among the groups gnomAD compares: Non-Finnish European, 0.0031%; no homozygotes.

Submissions (2):

Labcorp Genetics (formerly Invitae), Labcorp
Classification: Uncertain significance for Atelosteogenesis type II; Multiple epiphyseal dysplasia type 4; Achondrogenesis, type IB; Diastrophic dysplasia. Last evaluated: 2022-06-27. Review status: criteria provided, single submitter. Criteria: Invitae Variant Classification Sherloc (09022015). Collection method: clinical testing. Allele origin: germline.
Comment: This sequence change replaces isoleucine, which is neutral and non-polar, with valine, which is neutral and non-polar, at codon 539 of the SLC26A2 protein (p.Ile539Val). This variant is not present in population databases (gnomAD no frequency). This variant has not been reported in the literature in individuals affected with SLC26A2-related conditions. Advanced modeling of protein sequence and biophysical properties (such as structural, functional, and spatial information, amino acid conservation, physicochemical variation, residue mobility, and thermodynamic stability) performed at Invitae indicates that this missense variant is not expected to disrupt SLC26A2 protein function. In summary, the available evidence is currently insufficient to determine the role of this variant in disease. Therefore, it has been classified as a Variant of Uncertain Significance.

Ambry Genetics
Classification: Uncertain significance for Inborn genetic diseases. Last evaluated: 2021-07-14. Review status: criteria provided, single submitter. Criteria: Ambry Variant Classification Scheme 2023. Collection method: clinical testing. Allele origin: germline.

NM_000112.4(SLC26A2):c.1615A>G (p.Ile539Val)

Gene: SLC26A2 (solute carrier family 26 member 2; plus strand). Cytogenetic location: 5q32.
Variant type: single nucleotide variant.
Coding change: c.1615A>G on transcript NM_000112.4 (MANE Select); coding-DNA position 1615, A replaced by G.
Protein change: p.Ile539Val; replaces isoleucine 539 with valine.
Molecular consequence: missense variant.
Genome position (GRCh38, 1-based): chr5:149,981,208, A>G. VCF-style: chr5-149981208-A-G. GRCh37 (hg19) VCF-style: chr5-149360771-A-G.
Other names: c.1615A>G (NM_000112.3); short protein forms I539V.
Identifiers: ClinVar variation 1380723 (VCV001380723.4), dbSNP rs1448915287, ClinGen allele CA361708239.